The following is an entry in ClinVar:

ClinVar aggregate classification (germline): Conflicting classifications of pathogenicity. Review status: criteria provided, conflicting classifications (1 of 4 stars). 6 submissions from 6 submitters: Uncertain significance (1); Benign (2); Likely benign (3). Last evaluated 2026-04-01.

Conditions:
Inborn genetic diseases. Identifiers: MedGen C0950123, MeSH D030342.
Developmental and epileptic encephalopathy, 1 (DEE1). Also called: INFANTILE SPASM SYNDROME, X-LINKED 1; X-linked infantile spasms; West's syndrome; Tonic spasms with clustering, arrest of psychomotor development and hypsarrhythmia on EEG; X-Linked Infantile Spasm Syndrome; Epileptic encephalopathy, early infantile, 1. Identifiers: MedGen C3463992, MONDO:0010632, OMIM 308350. Disease mechanism: loss of function.
Autosomal dominant nonsyndromic hearing loss 65. Also called: Deafness, autosomal dominant 65; TBC1D24-Related Autosomal Dominant Nonsyndromic Hearing Loss (DFNA). Identifiers: Orphanet 90635, MedGen C3892048, MONDO:0014470, OMIM 616044.

Allele frequency attached by ClinVar (database versions not stated): gnomAD exomes 0.00013 and 0.00006; ExAC 0.00029; ESP Exome Variant Server 0.00056; gnomAD 0.00068 and 0.00071; TOPMed 0.00069; 1000 Genomes Project 30x 0.00109; 1000 Genomes Project 0.00120.
gnomAD v4.1: 186 of 1,601,534 alleles (0.012%); highest among the groups gnomAD compares: African/African-American, 0.22%; 1 homozygote.

Submissions (6):

CeGaT Center for Human Genetics Tuebingen
Classification: Likely benign. Last evaluated: 2026-04-01. Review status: criteria provided, single submitter. Criteria: CeGaT Center For Human Genetics Tuebingen Variant Classification Criteria Version 2. Collection method: clinical testing. Allele origin: germline. Affected: yes. Observed: 1 variant allele.
Comment: TBC1D24: BP4, BP7

Labcorp Genetics (formerly Invitae), Labcorp
Classification: Benign for Developmental and epileptic encephalopathy, 1; Autosomal dominant nonsyndromic hearing loss 65. Last evaluated: 2025-12-30. Review status: criteria provided, single submitter. Criteria: Invitae Variant Classification Sherloc (09022015). Collection method: clinical testing. Allele origin: germline.

Blueprint Genetics
Classification: Likely benign. Last evaluated: 2022-10-13. Review status: criteria provided, single submitter. Criteria: ACMG Guidelines, 2015. Collection method: clinical testing. Allele origin: germline.

Ambry Genetics
Classification: Likely benign for Inborn genetic diseases. Last evaluated: 2019-09-17. Review status: criteria provided, single submitter. Criteria: Ambry Variant Classification Scheme 2023. Collection method: clinical testing. Allele origin: germline.

Eurofins Ntd Llc (ga)
Classification: Uncertain significance. Last evaluated: 2017-10-12. Review status: criteria provided, single submitter. Criteria: EGL Classification Definitions 2015. Collection method: clinical testing. Allele origin: germline. Observed: 1 variant allele, 1 heterozygote.

GeneDx
Classification: Benign. Last evaluated: 2014-08-11. Review status: criteria provided, single submitter. Criteria: GeneDx Variant Classification (06012015). Collection method: clinical testing. Allele origin: germline. Affected: yes.
Comment: This variant is considered likely benign or benign based on one or more of the following criteria: it is a conservative change, it occurs at a poorly conserved position in the protein, it is predicted to be benign by multiple in silico algorithms, and/or has population frequency not consistent with disease.

NM_001199107.2(TBC1D24):c.1473C>G (p.Pro491=)

Gene: TBC1D24 (TBC1 domain family member 24; plus strand). Cytogenetic location: 16p13.3.
Variant type: single nucleotide variant.
Coding change: c.1473C>G on transcript NM_001199107.2 (MANE Select); coding-DNA position 1473, C replaced by G.
Protein change: p.Pro491=; no amino-acid change (proline 491 retained).
Molecular consequence: synonymous variant.
Genome position (GRCh38, 1-based): chr16:2,500,438, C>G. VCF-style: chr16-2500438-C-G. GRCh37 (hg19) VCF-style: chr16-2550439-C-G.
Other names: p.P485P:CCC>CCG; c.1455C>G, p.Pro485= (NM_020705.3).
Identifiers: ClinVar variation 207490 (VCV000207490.20), dbSNP rs370427146, ClinGen allele CA319002.
Genomic context (GRCh38, chr16:2,500,438, plus strand): 5'-CTCCTCAGACCCCGCTGACCGCCTCTCGCCCTTCCTGGCCGCTCGCCACTTCAACCTGCC[C>G]TCCAAGACCGAGTCCATGTTCATGGCGGGGGGCAGCGACTGCCTCATCGTCGGTGAGCGC-3'
Protein context (NP_001186036.1, residues 481-501): PFLAARHFNL[Pro491=]SKTESMFMAG